The following is an entry in ClinVar:

ClinVar aggregate classification (germline): Uncertain significance (1 of 4 stars; one submission).

Allele frequency attached by ClinVar (database versions not stated): TOPMed below 0.00001; gnomAD exomes 0.00002.

Submission:

Labcorp Genetics (formerly Invitae), Labcorp
Classification: Uncertain significance. Last evaluated: 2026-01-28. Review status: criteria provided, single submitter. Criteria: Invitae Variant Classification Sherloc (09022015). Collection method: clinical testing. Allele origin: germline.
Comment: This sequence change replaces valine, which is neutral and non-polar, with methionine, which is neutral and non-polar, at codon 174 of the TCIRG1 protein (p.Val174Met). This variant is not present in population databases (gnomAD no frequency). This variant has not been reported in the literature in individuals affected with TCIRG1-related conditions. ClinVar contains an entry for this variant (Variation ID: 2188840). Invitae Evidence Modeling of protein sequence and biophysical properties (such as structural, functional, and spatial information, amino acid conservation, physicochemical variation, residue mobility, and thermodynamic stability) indicates that this missense variant is not expected to disrupt TCIRG1 protein function with a negative predictive value of 80%. In summary, the available evidence is currently insufficient to determine the role of this variant in disease. Therefore, it has been classified as a Variant of Uncertain Significance.

NM_006019.4(TCIRG1):c.520G>A (p.Val174Met)

Gene: TCIRG1 (T cell immune regulator 1, ATPase H+ transporting V0 subunit a3; plus strand). Cytogenetic location: 11q13.2.
Variant type: single nucleotide variant.
Coding change: c.520G>A on transcript NM_006019.4 (MANE Select); coding-DNA position 520, G replaced by A.
Protein change: p.Val174Met; replaces valine 174 with methionine.
Molecular consequence: missense variant. On other transcripts: 5 prime UTR variant (2).
Genome position (GRCh38, 1-based): chr11:68,043,387, G>A. VCF-style: chr11-68043387-G-A. GRCh37 (hg19) VCF-style: chr11-67810854-G-A.
Other names: c.-391G>A (NM_001351059.2); c.-129G>A (NM_006053.4); short protein forms V174M.
Identifiers: ClinVar variation 2188840 (VCV002188840.2), dbSNP rs1479019892, ClinGen allele CA381577123.